The following is an entry in ClinVar:

NM_000540.3(RYR1):c.3395A>C (p.His1132Pro)

Gene: RYR1 (ryanodine receptor 1; plus strand). Cytogenetic location: 19q13.2.
Variant type: single nucleotide variant.
Coding change: c.3395A>C on transcript NM_000540.3 (MANE Select); coding-DNA position 3395, A replaced by C.
Protein change: p.His1132Pro; replaces histidine 1132 with proline.
Molecular consequence: missense variant.
Genome position (GRCh38, 1-based): chr19:38,468,979, A>C. VCF-style: chr19-38468979-A-C. GRCh37 (hg19) VCF-style: chr19-38959619-A-C.
Other names: c.3395A>C, p.His1132Pro (NM_001042723.2); short protein forms H1132P.
Identifiers: ClinVar variation 3776489 (VCV003776489.2).

ClinVar aggregate classification (germline): Uncertain significance (1 of 4 stars; one submission).

Submission:

GeneDx
Classification: Uncertain significance. Last evaluated: 2025-09-23. Review status: criteria provided, single submitter. Criteria: GeneDx Variant Classification Process June 2021. Collection method: clinical testing. Allele origin: germline.
Comment: Not observed at significant frequency in large population cohorts (gnomAD); In silico analysis supports that this missense variant has a deleterious effect on protein structure/function; Has not been previously published as pathogenic or benign to our knowledge